The following is an entry in ClinVar:

NM_000398.7(CYB5R3):c.238T>C (p.Tyr80His)

Gene: CYB5R3 (cytochrome b5 reductase 3; minus strand). Cytogenetic location: 22q13.2.
Variant type: single nucleotide variant.
Coding change: c.238T>C on transcript NM_000398.7 (MANE Select); coding-DNA position 238, T replaced by C.
Protein change: p.Tyr80His; replaces tyrosine 80 with histidine.
Molecular consequence: missense variant.
Genome position (GRCh38, 1-based): chr22:42,630,977, A>G on the plus strand (T>C on the coding strand, the complement: CYB5R3 is on the minus strand). VCF-style: chr22-42630977-A-G. GRCh37 (hg19) VCF-style: chr22-43026983-A-G.
Other names: c.169T>C, p.Tyr57His (NM_001129819.2, NM_001171661.1, NM_007326.4); c.337T>C, p.Tyr113His (NM_001171660.2); short protein forms Y113H, Y57H, Y80H.
Identifiers: ClinVar variation 4886232 (VCV004886232.2).
Genomic context (GRCh38, chr22:42,630,977, plus strand): 5'-CGCTGGAGATGGGTGTATAGGGCCGGACGACCAGGTTTCCATCAATTCGAGCCGAGAGGT[A>G]GATGTGCTGGCCTGCAGGACAGAACGGGGTCACTCTGGGCCAGAGATCATCCTGCGGGTG-3'
Protein context (NP_000389.1, residues 70-90): ILGLPVGQHI[Tyr80His]LSARIDGNLV

ClinVar aggregate classification (germline): Uncertain significance (1 of 4 stars; one submission).

Submission:

Dasa
Classification: Uncertain significance. Last evaluated: 2025-12-03. Review status: criteria provided, single submitter. Criteria: DASA Assertion Criteria. Collection method: clinical testing. Allele origin: germline.
Comment: NM_000398.7(CYB5R3):c.238T>C (p.Tyr80His) is a missense variant that results in the substitution of tyrosine with histidine. The affected residue or protein region has prior evidence supporting clinical relevance. This variant is rare in population databases. Computational prediction algorithms are consistent with a deleterious effect. The currently available literature and clinical evidence are not sufficient to establish a definitive association between this variant and the reported condition. Therefore, this variant is classified as a variant of uncertain significance.